The following is an entry in ClinVar:

NM_001376.5(DYNC1H1):c.7193G>A (p.Arg2398His)

Gene: DYNC1H1 (dynein cytoplasmic 1 heavy chain 1; plus strand). Cytogenetic location: 14q32.31.
Variant type: single nucleotide variant.
Coding change: c.7193G>A on transcript NM_001376.5 (MANE Select); coding-DNA position 7193, G replaced by A.
Protein change: p.Arg2398His; replaces arginine 2398 with histidine.
Molecular consequence: missense variant.
Genome position (GRCh38, 1-based): chr14:102,015,283, G>A. VCF-style: chr14-102015283-G-A. GRCh37 (hg19) VCF-style: chr14-102481620-G-A.
Other names: p.Arg2398His; short protein forms R2398H.
Identifiers: ClinVar variation 574494 (VCV000574494.24), dbSNP rs912429154, ClinGen allele CA267006179.

ClinVar aggregate classification (germline): Conflicting classifications of pathogenicity. Review status: criteria provided, conflicting classifications (1 of 4 stars). 7 submissions from 6 submitters: Uncertain significance (3); Likely benign (4). Last evaluated 2026-08-01.

Conditions:
Inborn genetic diseases. Identifiers: MedGen C0950123, MeSH D030342.
Autosomal dominant cerebellar ataxia. Also called: Spinocerebellar Ataxia, Dominant. Identifiers: Orphanet 99, MedGen C4087347, MONDO:0020380.
Charcot-Marie-Tooth disease axonal type 2O. Also called: Charcot-Marie-Tooth disease, axonal, type 20; Charcot-Marie-Tooth Neuropathy Type 2O; CHARCOT-MARIE-TOOTH NEUROPATHY, AXONAL, TYPE 2O; CHARCOT-MARIE-TOOTH DISEASE, AXONAL, AUTOSOMAL DOMINANT, TYPE 2O. Identifiers: Orphanet 284232, MedGen C3280220, MONDO:0013644, OMIM 614228.

Allele frequency attached by ClinVar (database versions not stated): gnomAD exomes 0.00002; gnomAD 0.00003 and 0.00004; TOPMed 0.00004.
gnomAD v4.1: 47 of 1,614,080 alleles (0.0029%); highest among the groups gnomAD compares: Non-Finnish European, 0.0037%; no homozygotes.

Submissions (7):

CeGaT Center for Human Genetics Tuebingen
Classification: Likely benign. Last evaluated: 2026-08-01. Review status: criteria provided, single submitter. Criteria: CeGaT Center For Human Genetics Tuebingen Variant Classification Criteria Version 2. Collection method: clinical testing. Allele origin: germline. Affected: yes. Observed: 1 variant allele.
Comment: DYNC1H1: BS2

Ambry Genetics
Classification: Likely benign for Inborn genetic diseases. Last evaluated: 2025-07-10. Review status: criteria provided, single submitter. Criteria: Ambry Variant Classification Scheme 2023. Collection method: clinical testing. Allele origin: germline.

Labcorp Genetics (formerly Invitae), Labcorp
Classification: Likely benign for Charcot-Marie-Tooth disease axonal type 2O. Last evaluated: 2025-05-25. Review status: criteria provided, single submitter. Criteria: Invitae Variant Classification Sherloc (09022015). Collection method: clinical testing. Allele origin: germline.

Mayo Clinic Laboratories, Mayo Clinic
Classification: Uncertain significance. Last evaluated: 2023-02-01. Review status: criteria provided, single submitter. Criteria: ACMG Guidelines, 2015. Collection method: clinical testing. Allele origin: germline. Observed: 1 variant allele.
Comment: BP4

GeneDx
Classification: Likely benign. Last evaluated: 2021-01-18. Review status: criteria provided, single submitter. Criteria: GeneDx Variant Classification Process June 2021. Collection method: clinical testing. Allele origin: germline. Affected: yes.

Illumina Laboratory Services, Illumina
Classification: Uncertain significance for Spinocerebellar Ataxia, Dominant. Last evaluated: 2018-01-12. Review status: criteria provided, single submitter. Criteria: ICSL Variant Classification Criteria 13 December 2019. Collection method: clinical testing. Allele origin: germline.

Illumina Laboratory Services, Illumina
Classification: Uncertain significance for Charcot-Marie-Tooth disease axonal type 2O. Last evaluated: 2018-01-12. Review status: criteria provided, single submitter. Criteria: ICSL Variant Classification Criteria 13 December 2019. Collection method: clinical testing. Allele origin: germline.